The following is an entry in ClinVar:

NM_002693.3(POLG):c.1244T>G (p.Leu415Trp)

Gene: POLG (DNA polymerase gamma, catalytic subunit; minus strand). Cytogenetic location: 15q26.1.
Variant type: single nucleotide variant.
Coding change: c.1244T>G on transcript NM_002693.3 (MANE Select); coding-DNA position 1244, T replaced by G.
Protein change: p.Leu415Trp; replaces leucine 415 with tryptophan.
Molecular consequence: missense variant.
Genome position (GRCh38, 1-based): chr15:89,328,462, A>C on the plus strand (T>G on the coding strand, the complement: POLG is on the minus strand). VCF-style: chr15-89328462-A-C. GRCh37 (hg19) VCF-style: chr15-89871693-A-C.
Other names: c.1244T>G, p.Leu415Trp (NM_001126131.2); short protein forms L415W.
Identifiers: ClinVar variation 594216 (VCV000594216.16), dbSNP rs376895501, ClinGen allele CA7724913.

ClinVar aggregate classification (germline): Uncertain significance. Review status: criteria provided, multiple submitters, no conflicts (2 of 4 stars). 3 submissions from 3 submitters: Uncertain significance (3). Last evaluated 2025-04-12.

Conditions:
Inborn genetic diseases. Identifiers: MedGen C0950123, MeSH D030342.
Progressive sclerosing poliodystrophy (MTDPS4A). Also called: Mitochondrial DNA depletion syndrome 4A (Alpers type); Mitochondrial DNA Depletion Syndrome 4A; Alpers Syndrome; ALPERS DIFFUSE DEGENERATION OF CEREBRAL GRAY MATTER WITH HEPATIC CIRRHOSIS; Alpers-Huttenlocher Syndrome; ALPERS PROGRESSIVE INFANTILE POLIODYSTROPHY. Identifiers: Orphanet 726, MedGen C0205710, MONDO:0008758, OMIM 203700.

Allele frequency attached by ClinVar (database versions not stated): ExAC 0.00003; gnomAD 0.00003 and 0.00004; TOPMed 0.00007; ESP Exome Variant Server 0.00008.
gnomAD v4.1: 12 of 1,612,698 alleles (0.00074%); highest among the groups gnomAD compares: African/African-American, 0.013%; no homozygotes.

Submissions (3):

Ambry Genetics
Classification: Uncertain significance for Inborn genetic diseases. Last evaluated: 2025-04-12. Review status: criteria provided, single submitter. Criteria: Ambry Variant Classification Scheme 2023. Collection method: clinical testing. Allele origin: germline.

Labcorp Genetics (formerly Invitae), Labcorp
Classification: Uncertain significance for Progressive sclerosing poliodystrophy. Last evaluated: 2024-10-17. Review status: criteria provided, single submitter. Criteria: Invitae Variant Classification Sherloc (09022015). Collection method: clinical testing. Allele origin: germline.
Comment: This sequence change replaces leucine, which is neutral and non-polar, with tryptophan, which is neutral and slightly polar, at codon 415 of the POLG protein (p.Leu415Trp). This variant is present in population databases (rs376895501, gnomAD 0.02%). This variant has not been reported in the literature in individuals affected with POLG-related conditions. ClinVar contains an entry for this variant (Variation ID: 594216). Invitae Evidence Modeling of protein sequence and biophysical properties (such as structural, functional, and spatial information, amino acid conservation, physicochemical variation, residue mobility, and thermodynamic stability) indicates that this missense variant is expected to disrupt POLG protein function with a positive predictive value of 95%. In summary, the available evidence is currently insufficient to determine the role of this variant in disease. Therefore, it has been classified as a Variant of Uncertain Significance.

Eurofins Ntd Llc (ga)
Classification: Uncertain significance. Last evaluated: 2017-09-29. Review status: criteria provided, single submitter. Criteria: EGL Classification Definitions 2015. Collection method: clinical testing. Allele origin: germline. Observed: 1 variant allele, 1 heterozygote.